The following continues an entry in ClinVar:

NM_000256.3(MYBPC3):c.1321G>A (p.Glu441Lys)

Gene: MYBPC3. ClinVar aggregate classification (germline): Conflicting classifications of pathogenicity. Uncertain significance (18); Likely benign (2).

Submissions 9 to 26 of 26:

ARUP Laboratories, Molecular Genetics and Genomics, ARUP Laboratories
Classification: Uncertain significance. Last evaluated: 2024-07-11. Review status: criteria provided, single submitter. Criteria: ARUP Molecular Germline Variant Investigation Process 2024. Collection method: clinical testing. Allele origin: germline.
Comment: The MYBPC3 c.1321G>A; p.Glu441Lys variant (rs193922377, ClinVar ID: 36601) is reported in the literature in individuals affected with dilated or hypertrophic cardiomyopathy (selected references: Garcia-Molina 2019, Kassem 2013, McGurk 2023, Sousa 2019); however, this variant has also been reported in individuals with pathogenic variant in the same gene (Millat 2010, Olivotto 2008). This variant is found in the general population with an overall allele frequency of 0.015% (41/278,096 alleles) in the Genome Aggregation Database (v2.1.1). In vivo functional analyses in a zebrafish model demonstrate atypical cardiac morphology (Daâ€™as 2018). However, computational analyses are uncertain whether this variant is neutral or deleterious (REVEL: 0.307). Given the inconclusive clinical and functional data, the significance of this variant is uncertain at this time. References: Da'as SI et al. Hypertrophic cardiomyopathy-linked variants of cardiac myosin-binding protein C3 display altered molecular properties and actin interaction. Biochem J. 2018 Dec 14;475(24):3933-3948. PMID: 30446606. Kassem HSh et al. Early results of sarcomeric gene screening from the Egyptian National BA-HCM Program. J Cardiovasc Transl Res. 2013 Feb;6(1):65-80. PMID: 23233322. GarcÃ­a-Molina E et al. A study of the pathogenicity of variants in familial heart disease. The value of cosegregation. Am J Transl Res. 2019 Mar 15;11(3):1724-1735. PMID: 30972196. McGurk KA et al. The penetrance of rare variants in cardiomyopathy-associated genes: A cross-sectional approach to estimating penetrance for secondary findings. Am J Hum Genet. 2023 Sep 7;110(9):1482-1495. PMID: 37652022. Millat G et al. Prevalence and spectrum of mutations in a cohort of 192 unrelated patients with hypertrophic cardiomyopathy. Eur J Med Genet. 2010 Sep-Oct;53(5):261-7. PMID: 20624503. Olivotto I et al. Myofilament protein gene mutation screening and outcome of patients with hypertrophic cardiomyopathy. Mayo Clin Proc. 2008 Jun;83(6):630-8. PMID: 18533079. Sousa A et al. Molecular characterization of Portuguese patients with dilated cardiomyopathy. Rev Port Cardiol (Engl Ed). 2019 Feb;38(2):129-139. English, Portuguese. PMID: 30871747.

Color Diagnostics, LLC DBA Color Health
Classification: Uncertain significance for Cardiomyopathy. Last evaluated: 2024-02-07. Review status: criteria provided, single submitter. Criteria: ACMG Guidelines, 2015. Collection method: clinical testing. Allele origin: germline.
Comment: This missense variant replaces glutamic acid with lysine at codon 441 of the MYBPC3 protein. Computational prediction tools indicate that this variant has a neutral impact on protein structure and function. To our knowledge, functional studies have not been performed for this variant. This variant has been reported in over 20 individuals affected with hypertrophic cardiomyopathy (PMID: 18533079, 20414521, 20624503, 21835320, 22765922, 23233322, 24093860, 26090888, 28420666, 30645170, 30972196, 32369506), and in individuals affected with dilated cardiomyopathy (PMID: 30871747, 35470680). However, some of these individuals also carried additional pathogenic variants that could explain the observed phenotype (PMID: 18533079, 20624503, 32369506, 37431535). In a study of two families, this variant has been observed in one affected individual but was absent in three other affected individuals (PMID: 30972196). A hypertrophic cardiomyopathy case-control study in Egypt (PMID: 37431535) has reported this variant in 24/514 cases (including 2 homozygotes), 8/400 controls; OR=2.4 (95% CI: 1.0 to 6.2); p-value=0.03. This variant occurs at an appreciable frequency in the general population and has been identified in 41/278096 chromosomes by the Genome Aggregation Database (gnomAD). In summary, this variant has been observed in affected individuals, as well as in the general population. The available evidence is insufficient to determine the role of this variant in disease conclusively. Therefore, this variant is classified as a Variant of Uncertain Significance.

CHEO Genetics Diagnostic Laboratory, Children's Hospital of Eastern Ontario
Classification: Uncertain significance for Cardiomyopathy. Last evaluated: 2023-05-16. Review status: criteria provided, single submitter. Criteria: ACMG Guidelines, 2015. Collection method: clinical testing. Allele origin: germline.

Department of Pathology and Laboratory Medicine, Sinai Health System
Classification: Uncertain significance for Hypertrophic cardiomyopathy 4; Left ventricular noncompaction 10. Last evaluated: 2022-04-08. Review status: criteria provided, single submitter. Criteria: ACMG Guidelines, 2015. Collection method: research. Allele origin: germline.

Ambry Genetics
Classification: Uncertain significance for Cardiovascular phenotype. Last evaluated: 2021-11-29. Review status: criteria provided, single submitter. Criteria: Ambry Variant Classification Scheme 2023. Collection method: clinical testing. Allele origin: germline.

Revvity Omics, Revvity
Classification: Uncertain significance. Last evaluated: 2020-01-09. Review status: criteria provided, single submitter. Criteria: ACMG Guidelines, 2015. Collection method: clinical testing. Allele origin: germline.

Mendelics
Classification: Uncertain significance for Hypertrophic cardiomyopathy 4. Last evaluated: 2019-05-28. Review status: criteria provided, single submitter. Criteria: Mendelics Assertion Criteria 2017. Collection method: clinical testing. Allele origin: unknown.

Agnes Ginges Centre for Molecular Cardiology, Centenary Institute
Classification: Uncertain significance for Hypertrophic cardiomyopathy 4. Last evaluated: 2018-11-26. Review status: criteria provided, single submitter. Criteria: ACMG Guidelines, 2015. Collection method: research. Allele origin: germline. Inheritance: Autosomal dominant inheritance. Affected: yes.
Comment: The MYBPC3 Glu441Lys variant has been identified in multiple HCM probands, including several compound heterozygotes (Liu X, et al., 2015; Olivotto I, et al., 2008; Marsiglia JD, et al., 2010; Millat G, et al., 2010; Coto E, et al., 2012; Kassem HSh, et al., 2013). We have identified this variant in 3 probands who were diagnosed at a young age (<18yo) and have severe hypertrophy, with maximum IVS measurements >30mm. All 3 probands also carry a second MYBPC3 variant, and one of these probands also carries a third variant in TNNT2. In one family MYBPC3 Glu441Lys did not segregate to another affected family member. The variant is present in the large Exome Aggregation Consortium dataset at an allele frequency of 0.00016, which is higher then expected for HCM. In silico tools SIFT, Polyphen2 and MutationTaster predict this variant to be deleterious. In summary, based on the adapted ACMG guidelines (Kelly MA, et al., 2018), the variant does not meet criteria for rarity (PM2) and as a result the identification of the variant in affected probands cannot be used, because only PP3 criteria are met, we classify MYBPC3 Glu441Lys as a variant of "uncertain significance" and suspect the variant may act as a modifier.

Illumina Laboratory Services, Illumina
Classification: Uncertain significance for Left ventricular noncompaction 10. Last evaluated: 2018-07-23. Review status: criteria provided, single submitter. Criteria: ICSL Variant Classification Criteria 13 December 2019. Collection method: clinical testing. Allele origin: germline.

Illumina Laboratory Services, Illumina
Classification: Uncertain significance for Hypertrophic cardiomyopathy 4. Last evaluated: 2018-07-23. Review status: criteria provided, single submitter. Criteria: ICSL Variant Classification Criteria 13 December 2019. Collection method: clinical testing. Allele origin: germline.
Comment: This variant was observed as part of a predisposition screen in an ostensibly healthy population. A literature search was performed for the gene, cDNA change, and amino acid change (where applicable). Publications were found based on this search. However, the evidence from the literature, in combination with allele frequency data from public databases where available, was not sufficient to rule this variant in or out of causing disease. Therefore, this variant is classified as a variant of unknown significance.

Laboratory for Molecular Medicine, Mass General Brigham Personalized Medicine
Classification: Uncertain significance. Last evaluated: 2015-04-09. Review status: criteria provided, single submitter. Criteria: LMM Criteria. Collection method: clinical testing. Allele origin: germline. Observed: 5 variant alleles.
Comment: The p.Glu441Lys variant in MYBPC3 has been observed in 10/62060 European chromos omes by the Exome Aggregation Consortium (ExAC; dbSNP rs193922377) and has been reported in at least 9 individuals with HCM, 2 o f whom carried other pathogenic variants (Olivotto 2008, Marsiglia 2010, Millat 2010, Olivotto 2011, Coto 2012, Kassem 2013). Our laboratory has identified this variant in 2 individuals with HCM and 1 individual with biatrial enlargement wh o carried another pathogenic HCM variant. Computational prediction tools and conservation analysis do not provide stro ng support for or against an impact to the protein. In summary, the clinical sig nificance of the p.Glu441Lys variant is uncertain. The available data raise the possibility that it is independently disease causing but milder in isolation but additional data is needed to confirm its significance.

Stanford Center for Inherited Cardiovascular Disease, Stanford University
Classification: Uncertain significance. Last evaluated: 2013-05-03. Review status: criteria provided, single submitter. Criteria: ACMG Guidelines, 2015. Collection method: provider interpretation. Allele origin: germline.

Lupski Lab, Baylor-Hopkins CMG, Baylor College of Medicine
Classification: Uncertain significance for Wolff-Parkinson-White pattern. Last evaluated: 2017-07-14. Review status: no assertion criteria provided. Collection method: research. Allele origin: unknown. Affected: yes. Observed: 1 variant allele. Study: Candidate_variants_in_patients_with_ Wolff-Parkinson-White Syndrome. Not counted in ClinVar's aggregate classification.

Women's Health and Genetics/Laboratory Corporation of America, LabCorp
Classification: Uncertain significance for Hypertrophic Cardiomyopathy. Last evaluated: 2015-10-02. Review status: no assertion criteria provided. Collection method: clinical testing. Allele origin: germline. Not counted in ClinVar's aggregate classification.

CSER _CC_NCGL, University of Washington
Classification: Uncertain significance for Cardiomyopathy, hypertrophic. Last evaluated: 2014-06-01. Review status: no assertion criteria provided. Collection method: research. Allele origin: germline. Inheritance: Autosomal dominant inheritance. Study: ESP 6500 variant annotation. Not counted in ClinVar's aggregate classification.
Comment: Variants classified for the Actionable exomic incidental findings in 6503 participants: challenges of variant classification manuscript

Clinical Genetics, Academic Medical Center
Classification: Uncertain significance. Review status: no assertion criteria provided. Collection method: clinical testing. Allele origin: germline. Affected: yes. Study: VKGL Data-share Consensus. Not counted in ClinVar's aggregate classification.

Diagnostic Laboratory, Department of Genetics, University Medical Center Groningen
Classification: Uncertain significance for Hypertrophic cardiomyopathy 4. Review status: no assertion criteria provided. Collection method: clinical testing. Allele origin: germline. Affected: yes. Study: VKGL Data-share Consensus. Not counted in ClinVar's aggregate classification.

Joint Genome Diagnostic Labs from Nijmegen and Maastricht, Radboudumc and MUMC+
Classification: Uncertain significance. Review status: no assertion criteria provided. Collection method: clinical testing. Allele origin: germline. Affected: yes. Study: VKGL Data-share Consensus. Not counted in ClinVar's aggregate classification.

Literature cited by the submitters: PubMed 18533079 (cited by 7 submitters); PubMed 20414521 (cited by 7 submitters); PubMed 20624503 (cited by 7 submitters); PubMed 21835320 (cited by 7 submitters); PubMed 22765922 (cited by 6 submitters); PubMed 23233322 (cited by 7 submitters); PubMed 24093860 (cited by 4 submitters); PubMed 26090888 (cited by 5 submitters); PubMed 28420666 (cited by 3 submitters); PubMed 30645170 (cited by 4 submitters); PubMed 30731207 (cited by Labcorp Genetics (formerly Invitae), Labcorp and Mayo Clinic Laboratories, Mayo Clinic); PubMed 30871747 (cited by 4 submitters); PubMed 30446606 (cited by Labcorp Genetics (formerly Invitae), Labcorp and Mayo Clinic Laboratories, Mayo Clinic); PubMed 17192269 (cited by Mayo Clinic Laboratories, Mayo Clinic); PubMed 20173211 (cited by Mayo Clinic Laboratories, Mayo Clinic); PubMed 21415409 (cited by Mayo Clinic Laboratories, Mayo Clinic and Laboratory for Molecular Medicine, Mass General Brigham Personalized Medicine); PubMed 25637381 (cited by Mayo Clinic Laboratories, Mayo Clinic); PubMed 25971843 (cited by 3 submitters); PubMed 27267291 (cited by Mayo Clinic Laboratories, Mayo Clinic and Agnes Ginges Centre for Molecular Cardiology, Centenary Institute); PubMed 28518168 (cited by Mayo Clinic Laboratories, Mayo Clinic); PubMed 30972196 (cited by 3 submitters); PubMed 32369506 (cited by 3 submitters); PubMed 37431535 (cited by 3 submitters); PubMed 37652022 (cited by Mayo Clinic Laboratories, Mayo Clinic); PubMed 35470680 (cited by All of Us Research Program, National Institutes of Health and Color Diagnostics, LLC DBA Color Health); PubMed 25524337 (cited by Agnes Ginges Centre for Molecular Cardiology, Centenary Institute and Laboratory for Molecular Medicine, Mass General Brigham Personalized Medicine); PubMed 23299917 (cited by Illumina Laboratory Services, Illumina and Laboratory for Molecular Medicine, Mass General Brigham Personalized Medicine).